The following is an entry in ClinVar:

NM_000373.4(UMPS):c.343C>T (p.Pro115Ser)

Gene: UMPS (uridine monophosphate synthetase; plus strand). Cytogenetic location: 3q21.2.
Variant type: single nucleotide variant.
Coding change: c.343C>T on transcript NM_000373.4 (MANE Select); coding-DNA position 343, C replaced by T.
Protein change: p.Pro115Ser; replaces proline 115 with serine.
Molecular consequence: missense variant. On other transcripts: non-coding transcript variant (2).
Genome position (GRCh38, 1-based): chr3:124,737,600, C>T. VCF-style: chr3-124737600-C-T. GRCh37 (hg19) VCF-style: chr3-124456447-C-T.
Other names: short protein forms P115S.
Identifiers: ClinVar variation 1483728 (VCV001483728.6), dbSNP rs779723295, ClinGen allele CA2581650.

ClinVar aggregate classification (germline): Uncertain significance (1 of 4 stars; one submission).

Conditions:
Hereditary orotic aciduria, type 1. Also called: Orotic aciduria type 1; Oroticaciduria 1. Identifiers: MedGen C0268130.

Allele frequency attached by ClinVar (database versions not stated): gnomAD exomes below 0.00001; ExAC 0.00001; TOPMed 0.00002; gnomAD 0.00003 and 0.00004.
gnomAD v4.1: 10 of 1,613,930 alleles (0.00062%); highest among the groups gnomAD compares: African/African-American, 0.012%; no homozygotes.

Submission:

Labcorp Genetics (formerly Invitae), Labcorp
Classification: Uncertain significance for Hereditary orotic aciduria, type 1. Last evaluated: 2021-09-07. Review status: criteria provided, single submitter. Criteria: Invitae Variant Classification Sherloc (09022015). Collection method: clinical testing. Allele origin: germline.
Comment: In summary, the available evidence is currently insufficient to determine the role of this variant in disease. Therefore, it has been classified as a Variant of Uncertain Significance. Algorithms developed to predict the effect of missense changes on protein structure and function (SIFT, PolyPhen-2, Align-GVGD) all suggest that this variant is likely to be tolerated. This variant has not been reported in the literature in individuals affected with UMPS-related conditions. This variant is present in population databases (rs779723295, ExAC 0.01%). This sequence change replaces proline with serine at codon 115 of the UMPS protein (p.Pro115Ser). The proline residue is moderately conserved and there is a moderate physicochemical difference between proline and serine.